The following is an entry in ClinVar:

ClinVar aggregate classification (germline): Uncertain significance (1 of 4 stars; one submission).

Conditions:
Early-infantile DEE. Also called: Early infantile epileptic encephalopathy; Ohtahara syndrome; Early infantile epileptic encephalopathy with suppression bursts. Identifiers: Orphanet 1934, MedGen C0393706, MONDO:0800491.

Submission:

Labcorp Genetics (formerly Invitae), Labcorp
Classification: Uncertain significance for Early-infantile DEE. Last evaluated: 2023-05-22. Review status: criteria provided, single submitter. Criteria: Invitae Variant Classification Sherloc (09022015). Collection method: clinical testing. Allele origin: germline.
Comment: ClinVar contains an entry for this variant (Variation ID: 656207). In summary, the available evidence is currently insufficient to determine the role of this variant in disease. Therefore, it has been classified as a Variant of Uncertain Significance. Advanced modeling of protein sequence and biophysical properties (such as structural, functional, and spatial information, amino acid conservation, physicochemical variation, residue mobility, and thermodynamic stability) performed at Invitae indicates that this missense variant is expected to disrupt KCNQ2 protein function. This variant has not been reported in the literature in individuals affected with KCNQ2-related conditions. This variant is not present in population databases (gnomAD no frequency). This sequence change replaces valine, which is neutral and non-polar, with leucine, which is neutral and non-polar, at codon 132 of the KCNQ2 protein (p.Val132Leu).

NM_172107.4(KCNQ2):c.394G>T (p.Val132Leu)

Gene: KCNQ2 (potassium voltage-gated channel subfamily Q member 2; minus strand). Cytogenetic location: 20q13.33.
Variant type: single nucleotide variant.
Coding change: c.394G>T on transcript NM_172107.4 (MANE Select); coding-DNA position 394, G replaced by T.
Protein change: p.Val132Leu; replaces valine 132 with leucine.
Molecular consequence: missense variant.
Genome position (GRCh38, 1-based): chr20:63,445,358, C>A on the plus strand (G>T on the coding strand, the complement: KCNQ2 is on the minus strand). VCF-style: chr20-63445358-C-A. GRCh37 (hg19) VCF-style: chr20-62076711-C-A.
Other names: c.394G>T, p.Val132Leu (NM_004518.6, NM_172106.3, NM_172108.5 and 1 more transcripts); short protein forms V132L.
Identifiers: ClinVar variation 656207 (VCV000656207.9), dbSNP rs1600789325, ClinGen allele CA409655623.